The following is an entry in ClinVar:

NM_004738.5(VAPB):c.229G>A (p.Asp77Asn)

Gene: VAPB (VAMP associated protein B and C; plus strand). Cytogenetic location: 20q13.32.
Variant type: single nucleotide variant.
Coding change: c.229G>A on transcript NM_004738.5 (MANE Select); coding-DNA position 229, G replaced by A.
Protein change: p.Asp77Asn; replaces aspartic acid 77 with asparagine.
Molecular consequence: missense variant. On other transcripts: intron variant (1).
Genome position (GRCh38, 1-based): chr20:58,434,619, G>A. VCF-style: chr20-58434619-G-A. GRCh37 (hg19) VCF-style: chr20-57009675-G-A.
Other names: c.212-9458G>A (NM_001195677.2); short protein forms D77N.
Identifiers: ClinVar variation 1963426 (VCV001963426.6), dbSNP rs200276908, ClinGen allele CA9924208.

ClinVar aggregate classification (germline): Uncertain significance. Review status: criteria provided, multiple submitters, no conflicts (2 of 4 stars). 2 submissions from 2 submitters: Uncertain significance (2). Last evaluated 2025-02-19.

Conditions:
Amyotrophic lateral sclerosis type 8 (ALS8). Identifiers: Orphanet 803, MedGen C1837728, MONDO:0012077, OMIM 608627.
Adult-onset proximal spinal muscular atrophy, autosomal dominant. Also called: FINKEL LATE-ADULT TYPE SMA; Spinal muscular atrophy, late-onset, finkel type. Identifiers: Orphanet 209335, MedGen C1854058, MONDO:0008453, OMIM 182980.

Allele frequency attached by ClinVar (database versions not stated): TOPMed below 0.00001; ExAC 0.00001; gnomAD 0.00001; gnomAD exomes 0.00002.
gnomAD v4.1: 31 of 1,578,538 alleles (0.002%); highest among the groups gnomAD compares: Non-Finnish European, 0.0024%; no homozygotes.

Submissions (2):

Revvity Omics, Revvity
Classification: Uncertain significance. Last evaluated: 2025-02-19. Review status: criteria provided, single submitter. Criteria: ACMG Guidelines, 2015. Collection method: clinical testing. Allele origin: germline.

Labcorp Genetics (formerly Invitae), Labcorp
Classification: Uncertain significance for Adult-onset proximal spinal muscular atrophy, autosomal dominant; Amyotrophic lateral sclerosis type 8. Last evaluated: 2023-11-19. Review status: criteria provided, single submitter. Criteria: Invitae Variant Classification Sherloc (09022015). Collection method: clinical testing. Allele origin: germline.
Comment: This sequence change replaces aspartic acid, which is acidic and polar, with asparagine, which is neutral and polar, at codon 77 of the VAPB protein (p.Asp77Asn). This variant is present in population databases (rs200276908, gnomAD 0.002%). This variant has not been reported in the literature in individuals affected with VAPB-related conditions. ClinVar contains an entry for this variant (Variation ID: 1963426). Advanced modeling of protein sequence and biophysical properties (such as structural, functional, and spatial information, amino acid conservation, physicochemical variation, residue mobility, and thermodynamic stability) performed at Invitae indicates that this missense variant is expected to disrupt VAPB protein function with a positive predictive value of 80%. In summary, the available evidence is currently insufficient to determine the role of this variant in disease. Therefore, it has been classified as a Variant of Uncertain Significance.